The following is an entry in ClinVar:

ClinVar aggregate classification (germline): Conflicting classifications of pathogenicity. Review status: criteria provided, conflicting classifications (1 of 4 stars). 2 submissions from 2 submitters: Uncertain significance (1); Likely benign (1). Last evaluated 2025-08-08.

Conditions:
Cardiovascular phenotype. Identifiers: MedGen CN230736.
Costello syndrome (CSTLO). Also called: FCS SYNDROME; FACIOCUTANEOSKELETAL SYNDROME; HRAS-Related Costello Syndrome. Identifiers: Orphanet 3071, MedGen C0587248, MONDO:0009026, OMIM 218040.

Submissions (2):

Ambry Genetics
Classification: Likely benign for Cardiovascular phenotype. Last evaluated: 2025-08-08. Review status: criteria provided, single submitter. Criteria: Ambry Variant Classification Scheme 2023. Collection method: clinical testing. Allele origin: germline.

Labcorp Genetics (formerly Invitae), Labcorp
Classification: Uncertain significance for Costello syndrome. Last evaluated: 2022-03-14. Review status: criteria provided, single submitter. Criteria: Invitae Variant Classification Sherloc (09022015). Collection method: clinical testing. Allele origin: germline.
Comment: In summary, the available evidence is currently insufficient to determine the role of this variant in disease. Therefore, it has been classified as a Variant of Uncertain Significance. This variant has not been reported in the literature in individuals affected with HRAS-related conditions. This variant is not present in population databases (gnomAD no frequency). This sequence change creates a premature translational stop signal (p.Thr158Serfs*4) in the HRAS gene. It is expected to result in an absent or disrupted protein product. However, the current clinical and genetic evidence is not sufficient to establish whether loss-of-function variants in HRAS cause disease.

NM_005343.4(HRAS):c.473_475delinsG (p.Thr158fs)

Genes: HRAS (HRas proto-oncogene, GTPase; minus strand), LRRC56 (leucine rich repeat containing 56; plus strand). Cytogenetic location: 11p15.5.
Variant type: Indel.
Coding change: c.473_475delinsG on transcript NM_005343.4 (MANE Select); coding-DNA positions 473 to 475, CGT replaced by G.
Protein change: p.Thr158fs; shifts the reading frame from threonine 158.
Molecular consequence: frameshift variant. On other transcripts: 3 prime UTR variant (1).
Genome position (GRCh38, 1-based): chr11:532,731-532,733, ACG replaced by C on the plus strand (CGT replaced by G on the coding strand, the reverse complement: HRAS is on the minus strand). VCF-style: chr11-532731-ACG-C. GRCh37 (hg19) VCF-style: chr11-532731-ACG-C.
Other names: c.473_475delinsG, p.Thr158fs (NM_001130442.3); c.236_238delinsG, p.Thr79fs (NM_001318054.2); c.*42_*44delinsG (NM_176795.5); c.473_475delCGTinsG (NM_005343.2); short protein forms T158fs, T79fs.
Identifiers: ClinVar variation 3010191 (VCV003010191.4), dbSNP rs2539784575, ClinGen allele CA2740090852.